The following is an entry in ClinVar:

ClinVar aggregate classification (germline): Uncertain significance (1 of 4 stars; one submission).

Conditions:
Paget disease of bone 2, early-onset (PDB2). Also called: Paget disease of bone 2. Identifiers: MedGen C4085251, MONDO:0011183, OMIM 602080.
Frontotemporal dementia and/or amyotrophic lateral sclerosis 1 (FTDALS1). Also called: C9orf72 Frontotemporal Dementia and/or Amyotrophic Lateral Sclerosis; Frontotemporal dementia with motor neuron disease 1. Identifiers: Orphanet 275872, MedGen C5779877, MONDO:0007105, OMIM 105550.

Allele frequency attached by ClinVar (database versions not stated): gnomAD exomes below 0.00001 and 0.00001; TOPMed 0.00001; gnomAD 0.00002.

Submission:

Labcorp Genetics (formerly Invitae), Labcorp
Classification: Uncertain significance for Paget disease of bone 2, early-onset; Frontotemporal dementia and/or amyotrophic lateral sclerosis 1. Last evaluated: 2025-02-23. Review status: criteria provided, single submitter. Criteria: Invitae Variant Classification Sherloc (09022015). Collection method: clinical testing. Allele origin: germline.
Comment: This sequence change replaces alanine, which is neutral and non-polar, with threonine, which is neutral and polar, at codon 303 of the SQSTM1 protein (p.Ala303Thr). The frequency data for this variant in the population databases is considered unreliable, as metrics indicate poor data quality at this position in the gnomAD database. This variant has not been reported in the literature in individuals affected with SQSTM1-related conditions. ClinVar contains an entry for this variant (Variation ID: 1351752). Invitae Evidence Modeling of protein sequence and biophysical properties (such as structural, functional, and spatial information, amino acid conservation, physicochemical variation, residue mobility, and thermodynamic stability) indicates that this missense variant is not expected to disrupt SQSTM1 protein function with a negative predictive value of 80%. In summary, the available evidence is currently insufficient to determine the role of this variant in disease. Therefore, it has been classified as a Variant of Uncertain Significance.

NM_003900.5(SQSTM1):c.907G>A (p.Ala303Thr)

Gene: SQSTM1 (sequestosome 1; plus strand). Cytogenetic location: 5q35.3.
Variant type: single nucleotide variant.
Coding change: c.907G>A on transcript NM_003900.5 (MANE Select); coding-DNA position 907, G replaced by A.
Protein change: p.Ala303Thr; replaces alanine 303 with threonine.
Molecular consequence: missense variant.
Genome position (GRCh38, 1-based): chr5:179,833,184, G>A. VCF-style: chr5-179833184-G-A. GRCh37 (hg19) VCF-style: chr5-179260184-G-A.
Other names: c.655G>A, p.Ala219Thr (NM_001142298.2, NM_001142299.2); short protein forms A219T, A303T.
Identifiers: ClinVar variation 1351752 (VCV001351752.8), dbSNP rs1367793899, ClinGen allele CA362451758.
Genomic context (GRCh38, chr5:179,833,184, plus strand): 5'-AGCTCACAGCCAAGCAGCTGCTGCTCTGACCCCAGCAAGCCGGGTGGGAATGTTGAGGGC[G>A]CCACGCAGTCTCTGGCGGAGCAGATGAGGAAGATCGCCTTGGAGTCCGAGGGGCGCCCTG-3'
Protein context (NP_003891.1, residues 293-313): PSKPGGNVEG[Ala303Thr]TQSLAEQMRK